The following is an entry in ClinVar:

NM_001353345.2(SETD1B):c.4715T>C (p.Leu1572Pro)

Gene: SETD1B (SET domain containing 1B, histone lysine methyltransferase; plus strand). Cytogenetic location: 12q24.31.
Variant type: single nucleotide variant.
Coding change: c.4715T>C on transcript NM_001353345.2 (MANE Select); coding-DNA position 4715, T replaced by C.
Protein change: p.Leu1572Pro; replaces leucine 1572 with proline.
Molecular consequence: missense variant.
Genome position (GRCh38, 1-based): chr12:121,823,294, T>C. VCF-style: chr12-121823294-T-C. GRCh37 (hg19) VCF-style: chr12-122261200-T-C.
Other names: short protein forms L1572P.
Identifiers: ClinVar variation 4854792 (VCV004854792.1).

ClinVar aggregate classification (germline): Uncertain significance (1 of 4 stars; one submission).

Conditions:
Intellectual developmental disorder with seizures and language delay (IDDSELD). Identifiers: MedGen C5436574, MONDO:0033559, OMIM 619000.

Submission:

3billion
Classification: Uncertain significance for Intellectual developmental disorder with seizures and language delay. Last evaluated: 2025-12-18. Review status: criteria provided, single submitter. Criteria: ACMG Guidelines, 2015. Collection method: clinical testing. Allele origin: germline. Affected: yes.
Comment: The variant is not observed in the gnomAD v4.1.0 dataset. Predicted Consequence/Location: Missense variant In silico tool predictions suggest damaging effect of the variant on gene or gene product [REVEL: 0.63 (>=0.6, sensitivity 0.68 and specificity 0.92)]. Therefore, this variant is classified as VUS according to the recommendation of ACMG/AMP guideline.